The following is an entry in ClinVar:

ClinVar aggregate classification (germline): Benign (1 of 4 stars; one submission).

Conditions:
Idiopathic basal ganglia calcification 1 (PFBC1A). Also called: Familial Idiopathic Basal Ganglia Calcification 2; Familial Idiopathic Basal Ganglia Calcification 3; Primary Familial Brain Calcification; PRIMARY FAMILIAL BRAIN CALCIFICATION 1A, AUTOSOMAL DOMINANT; Fahr's syndrome; Cerebral calcification nonarteriosclerotic idiopathic adult-onset. Identifiers: Orphanet 1980, MedGen C4551624, MONDO:0024538, OMIM 213600.

Allele frequency attached by ClinVar (database versions not stated): gnomAD exomes 0.00202; 1000 Genomes Project 30x 0.00078; gnomAD 0.00054 and 0.00066; TOPMed 0.00062; 1000 Genomes Project 0.00040.
gnomAD v4.1: 101 of 152,810 alleles (0.066%); highest among the groups gnomAD compares: Non-Finnish European, 0.084%; no homozygotes.

Submission:

Illumina Laboratory Services, Illumina
Classification: Benign for Idiopathic basal ganglia calcification 1. Last evaluated: 2018-01-12. Review status: criteria provided, single submitter. Criteria: ICSL Variant Classification Criteria 13 December 2019. Collection method: clinical testing. Allele origin: germline.
Comment: This variant was observed in the ICSL laboratory as part of a predisposition screen in an ostensibly healthy population. It had not been previously curated by ICSL or reported in the Human Gene Mutation Database (HGMD: prior to June 1st, 2018), and was therefore a candidate for classification through an automated scoring system. Utilizing variant allele frequency, disease prevalence and penetrance estimates, and inheritance mode, an automated score was calculated to assess if this variant is too frequent to cause the disease. Based on the score and internal cut-off values, a variant classified as benign is not then subjected to further curation. The score for this variant resulted in a classification of benign for this disease.

NM_001257180.2(SLC20A2):c.*926C>T

Gene: SLC20A2 (solute carrier family 20 member 2; minus strand). Cytogenetic location: 8p11.21.
Variant type: single nucleotide variant.
Coding change: c.*926C>T on transcript NM_001257180.2 (MANE Select); 926 bases downstream of the stop codon, C replaced by T.
Molecular consequence: 3 prime UTR variant.
Genome position (GRCh38, 1-based): chr8:42,416,877, G>A on the plus strand (C>T on the coding strand, the complement: SLC20A2 is on the minus strand). VCF-style: chr8-42416877-G-A. GRCh37 (hg19) VCF-style: chr8-42274395-G-A.
Other names: c.*926C>T (NM_001257181.2, NM_006749.5).
Identifiers: ClinVar variation 363054 (VCV000363054.5), dbSNP rs575143642, ClinGen allele CA10625457.